The following is an entry in ClinVar:

NM_001330260.2(SCN8A):c.1912_1944dup (p.Val648_Val649insLysArgAsnSerThrValAspCysAsnGlyVal)

Gene: SCN8A (sodium voltage-gated channel alpha subunit 8; plus strand). Cytogenetic location: 12q13.13.
Variant type: Duplication.
Coding change: c.1912_1944dup on transcript NM_001330260.2 (MANE Select); coding-DNA positions 1912 to 1944, 33 bases duplicated.
Protein change: p.Val648_Val649insLysArgAsnSerThrValAspCysAsnGlyVal.
Molecular consequence: inframe insertion.
Genome position (GRCh38, 1-based): chr12:51,721,822-51,721,854, 33 bases duplicated; duplicating any 33 consecutive bases within chr12:51,721,817-51,721,854 gives the same sequence; the c. name uses the placement nearest the transcript's 3' end. GRCh37 (hg19): chr12:52,115,606-52,115,638.
Other names: c.1912_1944dup, p.Val648_Val649insLysArgAsnSerThrValAspCysAsnGlyVal (NM_001177984.3, NM_001369788.1, NM_014191.4).
Identifiers: ClinVar variation 2580681 (VCV002580681.1), dbSNP rs2540204409, ClinGen allele CA2580618141.

ClinVar aggregate classification (germline): Uncertain significance (1 of 4 stars; one submission).

Submission:

GeneDx
Classification: Uncertain significance. Last evaluated: 2023-03-23. Review status: criteria provided, single submitter. Criteria: GeneDx Variant Classification Process June 2021. Collection method: clinical testing. Allele origin: germline. Affected: yes.
Comment: Not observed at significant frequency in large population cohorts (gnomAD); In-frame duplication of 11 amino acids in a non-repeat region; In silico analysis supports that this variant does not alter protein structure/function; Has not been previously published as pathogenic or benign to our knowledge; This substitution is predicted to be in the cytoplasmic loop between the first and second homologous domains